The following is an entry in ClinVar:

ClinVar aggregate classification (germline): Uncertain significance. Review status: criteria provided, single submitter (1 of 4 stars). 2 submissions from 2 submitters: Uncertain significance (1). 1 of the submissions does not count toward it. Last evaluated 2025-09-28.

Conditions:
Aortic aneurysm. Also called: Aortic aneurysm (disease). Identifiers: MedGen C0003486, MONDO:0005160, HP:0004942.

Submissions (2):

Labcorp Genetics (formerly Invitae), Labcorp
Classification: Uncertain significance. Last evaluated: 2025-09-28. Review status: criteria provided, single submitter. Criteria: Invitae Variant Classification Sherloc (09022015). Collection method: clinical testing. Allele origin: germline.
Comment: This sequence change replaces glutamic acid, which is acidic and polar, with glycine, which is neutral and non-polar, at codon 44 of the ARIH1 protein (p.Glu44Gly). This variant is not present in population databases (gnomAD no frequency). This missense change has been observed in individual(s) with ARIH1-related conditions (PMID: 29689197). ClinVar contains an entry for this variant (Variation ID: 996699). Algorithms developed to predict the effect of variants on gene product structure and function are not available or were not evaluated for this variant. Experimental studies have shown that this missense change affects ARIH1 function (PMID: 29689197). In summary, the available evidence is currently insufficient to determine the role of this variant in disease. Therefore, it has been classified as a Variant of Uncertain Significance.

University of Washington Center for Mendelian Genomics, University of Washington
Classification: association for aortic aneurysm. Review status: no assertion criteria provided. Collection method: research. Allele origin: inherited. Affected: yes. Not counted in ClinVar's aggregate classification.

Literature cited by the submitters: PubMed 29689197 (cited by Labcorp Genetics (formerly Invitae), Labcorp and University of Washington Center for Mendelian Genomics, University of Washington).

NM_005744.5(ARIH1):c.131A>G (p.Glu44Gly)

Gene: ARIH1 (ariadne RBR E3 ubiquitin protein ligase 1; plus strand). Cytogenetic location: 15q24.1.
Variant type: single nucleotide variant.
Coding change: c.131A>G on transcript NM_005744.5 (MANE Select); coding-DNA position 131, A replaced by G.
Protein change: p.Glu44Gly; replaces glutamic acid 44 with glycine.
Molecular consequence: missense variant.
Genome position (GRCh38, 1-based): chr15:72,474,770, A>G. VCF-style: chr15-72474770-A-G. GRCh37 (hg19) VCF-style: chr15-72767111-A-G.
Other names: short protein forms E44G.
Identifiers: ClinVar variation 996699 (VCV000996699.5), dbSNP rs2063786716, ClinGen allele CA393236679.